The following is an entry in ClinVar:

NM_058216.3(RAD51C):c.397C>A (p.Gln133Lys)

Gene: RAD51C (RAD51 paralog C; plus strand). Cytogenetic location: 17q22.
Variant type: single nucleotide variant.
Coding change: c.397C>A on transcript NM_058216.3 (MANE Select); coding-DNA position 397, C replaced by A.
Protein change: p.Gln133Lys; replaces glutamine 133 with lysine.
Molecular consequence: missense variant. On other transcripts: non-coding transcript variant (2).
Genome position (GRCh38, 1-based): chr17:58,695,182, C>A. VCF-style: chr17-58695182-C-A. GRCh37 (hg19) VCF-style: chr17-56772543-C-A.
Other names: c.397C>A, p.Gln133Lys (NM_002876.4); short protein forms Q133K.
Identifiers: ClinVar variation 233936 (VCV000233936.19), dbSNP rs387907159, ClinGen allele CA10580738.

ClinVar aggregate classification (germline): Conflicting classifications of pathogenicity. Review status: criteria provided, conflicting classifications (1 of 4 stars). 6 submissions from 6 submitters: Likely pathogenic (2); Uncertain significance (4). Last evaluated 2025-11-09.

Conditions:
Hereditary cancer-predisposing syndrome. Also called: Tumor predisposition; Hereditary Cancer Syndrome; Hereditary neoplastic syndrome; Neoplastic Syndromes, Hereditary. Identifiers: Orphanet 140162, MedGen C0027672, MeSH D009386, MONDO:0015356.
Breast-ovarian cancer, familial, susceptibility to, 3. Also called: RAD51C-Related Breast/Ovarian Cancer. Identifiers: Orphanet 145, MedGen C3150659, MONDO:0013253, OMIM 613399.
Fanconi anemia complementation group O. Also called: RAD51C-Related Fanconi Anemia. Identifiers: Orphanet 84, MedGen C3150653, MONDO:0013248, OMIM 613390.

Submissions (6):

Labcorp Genetics (formerly Invitae), Labcorp
Classification: Uncertain significance for Fanconi anemia complementation group O. Last evaluated: 2025-11-09. Review status: criteria provided, single submitter. Criteria: Invitae Variant Classification Sherloc (09022015). Collection method: clinical testing. Allele origin: germline.
Comment: This sequence change replaces glutamine, which is neutral and polar, with lysine, which is basic and polar, at codon 133 of the RAD51C protein (p.Gln133Lys). This variant is not present in population databases (gnomAD no frequency). This missense change has been observed in individual(s) with ovarian cancer (PMID: 26261251, 29522266). ClinVar contains an entry for this variant (Variation ID: 233936). Invitae Evidence Modeling of protein sequence and biophysical properties (such as structural, functional, and spatial information, amino acid conservation, physicochemical variation, residue mobility, and thermodynamic stability) indicates that this missense variant is expected to disrupt RAD51C protein function with a positive predictive value of 80%. Experimental studies have shown that this missense change affects RAD51C function (PMID: 36099300, 39299233). In summary, the available evidence is currently insufficient to determine the role of this variant in disease. Therefore, it has been classified as a Variant of Uncertain Significance.

Ambry Genetics
Classification: Likely pathogenic for Hereditary cancer-predisposing syndrome. Last evaluated: 2025-10-31. Review status: criteria provided, single submitter. Criteria: Ambry Variant Classification Scheme 2023. Collection method: clinical testing. Allele origin: germline.
Comment: The p.Q133K variant (also known as c.397C>A), located in coding exon 2 of the RAD51C gene, results from a C to A substitution at nucleotide position 397. The glutamine at codon 133 is replaced by lysine, an amino acid with similar properties. In multiple studies testing RAD51C function, this variant showed an abnormal read-out (Prakash R et al. Proc Natl Acad Sci U S A, 2022 Sep;119:e2202727119; Olvera-Le&oacute;n R et al. Cell, 2024 Oct;187:5719-5734.e19). Based on internal structural analysis, this variant is anticipated to disrupt a region of known function ((Greenhough LA et al. Nature, 2023 Jul;619:650-657; Rawal Y et al. Nature, 2023 Jul;619:640-649; Hu C et al. Cancer Res, 2023 Aug;83:2557-2571; Ambry internal data). This amino acid position is highly conserved in available vertebrate species. In addition, this alteration is predicted to be deleterious by in silico analysis. This variant is considered to be rare based on population cohorts in the Genome Aggregation Database (gnomAD). Based on the majority of available evidence to date, this variant is likely to be pathogenic.

Myriad Genetics, Inc.
Classification: Likely pathogenic for Breast-ovarian cancer, familial, susceptibility to, 3. Last evaluated: 2024-11-25. Review status: criteria provided, single submitter. Criteria: Myriad Autosomal Dominant, Autosomal Recessive and X-Linked Classification Criteria (2023). Collection method: clinical testing. Allele origin: unknown.
Comment: This variant is considered likely pathogenic. Functional studies indicate this variant impacts protein function [PMID: 39299233, 36099300]. This variant is expected to disrupt protein structure [Myriad internal data].

Department of Pathology and Laboratory Medicine, Sinai Health System
Classification: Uncertain significance for Breast-ovarian cancer, familial, susceptibility to, 3. Last evaluated: 2024-01-29. Review status: criteria provided, single submitter. Criteria: ACMG Guidelines, 2015. Collection method: clinical testing. Allele origin: germline. Affected: yes.

Baylor Genetics
Classification: Uncertain significance for Breast-ovarian cancer, familial, susceptibility to, 3. Last evaluated: 2023-05-09. Review status: criteria provided, single submitter. Criteria: ACMG Guidelines, 2015. Collection method: clinical testing. Allele origin: unknown.

GeneDx
Classification: Uncertain significance. Last evaluated: 2018-07-02. Review status: criteria provided, single submitter. Criteria: GeneDx Variant Classification (06012015). Collection method: clinical testing. Allele origin: germline. Affected: yes.
Comment: This variant is denoted RAD51C c.397C>A at the cDNA level, p.Gln133Lys (Q133K) at the protein level, and results in the change of a Glutamine to a Lysine (CAA>AAA). This variant has been identified in at least one individual with ovarian cancer and in one individual with breast cancer (Cunningham 2014, Song 2015, Hauke 2018). RAD51C Gln133Lys was not observed in large population cohorts (Lek 2016). This variant is located in the region of interaction with RAD51B, RAD51D and XRCC3 (Miller 2004). In silico analysis, which includes protein predictors and evolutionary conservation, supports a deleterious effect. Based on currently available evidence, it is unclear whether RAD51C Gln133Lys is a pathogenic or benign variant. We consider it to be a variant of uncertain significance.

Literature cited by the submitters: PubMed 26261251 (cited by 3 submitters); PubMed 29522266 (cited by 3 submitters); PubMed 36099300 (cited by 4 submitters); PubMed 39299233 (cited by 3 submitters); PubMed 24504028 (cited by Ambry Genetics); PubMed 37253112 (cited by Ambry Genetics); PubMed 37344587 (cited by Ambry Genetics); PubMed 37344589 (cited by Ambry Genetics); PubMed 33471991 (cited by Department of Pathology and Laboratory Medicine, Sinai Health System).